The following is an entry in ClinVar:

ClinVar aggregate classification (germline): Uncertain significance (1 of 4 stars; one submission).

Conditions:
Inborn genetic diseases. Identifiers: MedGen C0950123, MeSH D030342.

Allele frequency attached by ClinVar (database versions not stated): gnomAD exomes below 0.00001; ExAC 0.00001; gnomAD 0.00001.
gnomAD v4.1: 4 of 1,613,880 alleles (0.00025%); highest among the groups gnomAD compares: Middle Eastern, 0.016%; no homozygotes.

Submission:

Ambry Genetics
Classification: Uncertain significance for Inborn genetic diseases. Last evaluated: 2025-03-06. Review status: criteria provided, single submitter. Criteria: Ambry Variant Classification Scheme 2023. Collection method: clinical testing. Allele origin: germline.
Comment: The p.K76R variant (also known as c.227A>G), located in coding exon 3 of the FANCA gene, results from an A to G substitution at nucleotide position 227. The lysine at codon 76 is replaced by arginine, an amino acid with highly similar properties. This amino acid position is conserved. In addition, this alteration is predicted to be tolerated by in silico analysis. Based on the available evidence, the clinical significance of this variant remains unclear.

NM_000135.4(FANCA):c.227A>G (p.Lys76Arg)

Gene: FANCA (FA complementation group A; minus strand). Cytogenetic location: 16q24.3.
Variant type: single nucleotide variant.
Coding change: c.227A>G on transcript NM_000135.4 (MANE Select); coding-DNA position 227, A replaced by G.
Protein change: p.Lys76Arg; replaces lysine 76 with arginine.
Molecular consequence: missense variant.
Genome position (GRCh38, 1-based): chr16:89,814,576, T>C on the plus strand (A>G on the coding strand, the complement: FANCA is on the minus strand). VCF-style: chr16-89814576-T-C. GRCh37 (hg19) VCF-style: chr16-89880984-T-C.
Other names: c.227A>G, p.Lys76Arg (NM_001018112.3, NM_001286167.3, NM_001351830.2); short protein forms K76R.
Identifiers: ClinVar variation 2285715 (VCV002285715.3), dbSNP rs777209858, ClinGen allele CA8253109.